The following is an entry in ClinVar:

NM_006204.4(PDE6C):c.2367+1_2367+5del

Gene: PDE6C (phosphodiesterase 6C; plus strand). Cytogenetic location: 10q23.33.
Variant type: Deletion.
Coding change: c.2367+1_2367+5del on transcript NM_006204.4 (MANE Select); the canonical splice donor site of the intron after coding-DNA position 2367 through 5 bases into the intron after coding-DNA position 2367, 5 bases deleted (GTAAG; older notation c.2367+1_2367+5delGTAAG).
Molecular consequence: splice donor variant.
Genome position (GRCh38, 1-based): chr10:93,662,644-93,662,648, GTAAG deleted; deleting any 5 consecutive bases within chr10:93,662,640-93,662,648 gives the same sequence; the c. name uses the placement nearest the transcript's 3' end. VCF-style (leftmost placement, unchanged base first): chr10-93662639-ATAAGG-A. GRCh37 (hg19) VCF-style: chr10-95422396-ATAAGG-A.
Identifiers: ClinVar variation 8766 (VCV000008766.52), dbSNP rs796051871, ClinGen allele CA212906.

ClinVar aggregate classification (germline): Pathogenic/Likely pathogenic. Review status: criteria provided, multiple submitters, no conflicts (2 of 4 stars). 6 submissions from 6 submitters: Pathogenic (4); Likely pathogenic (1). 1 of the submissions does not count toward it. Last evaluated 2024-11-05.

Conditions:
PDE6C-related disorder. Also called: PDE6C-related condition.
Retinal dystrophy. Also called: Inherited retinal dystrophy. Identifiers: Orphanet 71862, MedGen C0854723, MeSH D058499, MONDO:0019118, HP:0000556.
Achromatopsia 5 (ACHM5). Identifiers: MedGen C2751309, MONDO:0800196.
Cone dystrophy 4 (COD4). Identifiers: Orphanet 49382, MedGen C2751308, MONDO:0013129, OMIM 613093.

Submissions (6):

Labcorp Genetics (formerly Invitae), Labcorp
Classification: Pathogenic. Last evaluated: 2024-11-05. Review status: criteria provided, single submitter. Criteria: Invitae Variant Classification Sherloc (09022015). Collection method: clinical testing. Allele origin: germline.
Comment: This sequence change affects a splice site in intron 20 of the PDE6C gene. It is expected to disrupt RNA splicing. Variants that disrupt the donor or acceptor splice site typically lead to a loss of protein function (PMID: 16199547), and loss-of-function variants in PDE6C are known to be pathogenic (PMID: 19887631, 23776498, 26103963, 30080950). This variant is present in population databases (rs753310704, gnomAD 0.03%). Disruption of this splice site has been observed in individuals with achromatopsia (PMID: 19615668; internal data). ClinVar contains an entry for this variant (Variation ID: 8766). Algorithms developed to predict the effect of sequence changes on RNA splicing suggest that this variant may disrupt the consensus splice site. For these reasons, this variant has been classified as Pathogenic.

Blueprint Genetics
Classification: Pathogenic for PDE6C-related disorders. Last evaluated: 2022-06-30. Review status: criteria provided, single submitter. Criteria: ACMG Guidelines, 2015. Collection method: clinical testing. Allele origin: germline. Affected: yes. Observed: 3 variant alleles.

3billion
Classification: Pathogenic for Cone dystrophy 4. Last evaluated: 2022-05-22. Review status: criteria provided, single submitter. Criteria: ACMG Guidelines, 2015. Collection method: clinical testing. Allele origin: germline. Affected: yes. Observed: 1 heterozygote.
Comment: The variant is observed at an extremely low frequency in the gnomAD v2.1.1 dataset (total allele frequency: 0.004%). Canonical splice site: predicted to alter splicing and result in a loss or disruption of normal protein function. Multiple pathogenic loss-of-function variants are reported downstream of the variant. Two affected offsprings share the same variant (3billion dataset). The variant has been reported to be in trans with a pathogenic variant as either compound heterozygous or homozygous in at least one similarly affected unrelated individual (3billion dataset). The variant has been reported to be associated with PDE6C related disorder (ClinVar ID: VCV000008766 / PMID: 19615668). Therefore, this variant is classified as pathogenic according to the recommendation of ACMG/AMP guideline.

Institute of Human Genetics, Univ. Regensburg, Univ. Regensburg
Classification: Pathogenic for Retinal dystrophy. Last evaluated: 2019-01-01. Review status: criteria provided, single submitter. Criteria: ACMG Guidelines, 2015. Collection method: clinical testing. Allele origin: germline. Affected: yes.

CeGaT Center for Human Genetics Tuebingen
Classification: Likely pathogenic. Last evaluated: 2017-12-01. Review status: criteria provided, single submitter. Criteria: CeGaT Center For Human Genetics Tuebingen Variant Classification Criteria Version 2. Collection method: clinical testing. Allele origin: germline. Affected: yes. Observed: 1 variant allele.

OMIM
Classification: Pathogenic for ACHROMATOPSIA 5. Last evaluated: 2009-08-01. Review status: no assertion criteria provided. Collection method: literature only. Allele origin: germline. Not counted in ClinVar's aggregate classification.

Literature cited by the submitters: PubMed 16199547 (cited by Labcorp Genetics (formerly Invitae), Labcorp); PubMed 19887631 (cited by Labcorp Genetics (formerly Invitae), Labcorp); PubMed 23776498 (cited by Labcorp Genetics (formerly Invitae), Labcorp); PubMed 26103963 (cited by Labcorp Genetics (formerly Invitae), Labcorp); PubMed 30080950 (cited by Labcorp Genetics (formerly Invitae), Labcorp); PubMed 19615668 (cited by 4 submitters); PubMed 31964843 (cited by Institute of Human Genetics, Univ. Regensburg, Univ. Regensburg); PubMed 35260635 (cited by Institute of Human Genetics, Univ. Regensburg, Univ. Regensburg).